The following is an entry in ClinVar:

ClinVar aggregate classification (germline): Pathogenic (1 of 4 stars; one submission).

Submission:

Labcorp Genetics (formerly Invitae), Labcorp
Classification: Pathogenic. Last evaluated: 2023-12-31. Review status: criteria provided, single submitter. Criteria: Invitae Variant Classification Sherloc (09022015). Collection method: clinical testing. Allele origin: germline.
Comment: This sequence change creates a premature translational stop signal (p.Tyr317Leufs*35) in the SLC1A4 gene. It is expected to result in an absent or disrupted protein product. Loss-of-function variants in SLC1A4 are known to be pathogenic (PMID: 26041762, 27848944, 30125339). This variant is not present in population databases (gnomAD no frequency). This variant has not been reported in the literature in individuals affected with SLC1A4-related conditions. For these reasons, this variant has been classified as Pathogenic.

Literature cited by the submitters: PubMed 26041762; PubMed 27848944; PubMed 30125339.

NM_003038.5(SLC1A4):c.950_953del (p.Tyr317fs)

Gene: SLC1A4 (solute carrier family 1 member 4; plus strand). Cytogenetic location: 2p14.
Variant type: Microsatellite.
Coding change: c.950_953del on transcript NM_003038.5 (MANE Select); coding-DNA positions 950 to 953, 4 bases deleted (ATTT; older notation c.950_953delATTT).
Protein change: p.Tyr317fs; shifts the reading frame from tyrosine 317.
Molecular consequence: frameshift variant. On other transcripts: intron variant (1).
Genome position (GRCh38, 1-based): chr2:65,016,589-65,016,592, ATTT deleted; deleting any 4 consecutive bases within chr2:65,016,583-65,016,592 gives the same sequence; the c. name uses the placement nearest the transcript's 3' end. VCF-style (leftmost placement, unchanged base first): chr2-65016582-CTTAT-C. GRCh37 (hg19) VCF-style: chr2-65243716-CTTAT-C.
Other names: c.290_293del, p.Tyr97fs (NM_001348406.2, NM_001348407.2); c.141-1482_141-1479del (NM_001193493.2); short protein forms Y317fs, Y97fs.
Identifiers: ClinVar variation 2704859 (VCV002704859.3), dbSNP rs2528576487, ClinGen allele CA2576986058.